The following is an entry in ClinVar:

ClinVar aggregate classification (germline): Uncertain significance (1 of 4 stars; one submission).

Allele frequency attached by ClinVar (database versions not stated): gnomAD 0.00002; TOPMed 0.00002.

Submission:

GeneDx
Classification: Uncertain significance. Last evaluated: 2025-10-29. Review status: criteria provided, single submitter. Criteria: GeneDx Variant Classification Process June 2021. Collection method: clinical testing. Allele origin: germline.
Comment: In silico analysis supports that this missense variant has a deleterious effect on protein structure/function; Has not been previously published as pathogenic or benign to our knowledge

NM_001372044.2(SHANK3):c.2617C>T (p.Pro873Ser)

Gene: SHANK3 (SH3 and multiple ankyrin repeat domains 3; plus strand). Cytogenetic location: 22q13.33.
Variant type: single nucleotide variant.
Coding change: c.2617C>T on transcript NM_001372044.2 (MANE Select); coding-DNA position 2617, C replaced by T.
Protein change: p.Pro873Ser; replaces proline 873 with serine.
Molecular consequence: missense variant.
Genome position (GRCh38, 1-based): chr22:50,720,225, C>T. VCF-style: chr22-50720225-C-T. GRCh37 (hg19) VCF-style: chr22-51158653-C-T.
Other names: c.2392C>T, p.Pro798Ser (NM_033517.1); short protein forms P798S, P873S.
Identifiers: ClinVar variation 2428892 (VCV002428892.4), dbSNP rs1198282100, ClinGen allele CA515258595.